The following is an entry in ClinVar:

ClinVar aggregate classification (germline): Uncertain significance (1 of 4 stars; one submission).

Conditions:
BMP5-related disorder. Also called: BMP5-related condition.

Submission:

PreventionGenetics, part of Exact Sciences
Classification: Uncertain significance for BMP5-related condition. Last evaluated: 2022-10-11. Review status: criteria provided, single submitter. Criteria: ACMG Guidelines, 2015. Collection method: clinical testing. Allele origin: germline.
Comment: The BMP5 c.1041T>G variant is predicted to result in the amino acid substitution p.Ser347Arg. To our knowledge, this variant has not been reported in the literature or in a large population database, indicating this variant is rare. At this time, the clinical significance of this variant is uncertain due to the absence of conclusive functional and genetic evidence.

NM_021073.4(BMP5):c.1041T>G (p.Ser347Arg)

Gene: BMP5 (bone morphogenetic protein 5; minus strand). Cytogenetic location: 6p12.1.
Variant type: single nucleotide variant.
Coding change: c.1041T>G on transcript NM_021073.4 (MANE Select); coding-DNA position 1041, T replaced by G.
Protein change: p.Ser347Arg; replaces serine 347 with arginine.
Molecular consequence: missense variant. On other transcripts: intron variant (1).
Genome position (GRCh38, 1-based): chr6:55,760,520, A>C on the plus strand (T>G on the coding strand, the complement: BMP5 is on the minus strand). VCF-style: chr6-55760520-A-C. GRCh37 (hg19) VCF-style: chr6-55625318-A-C.
Other names: c.1041T>G, p.Ser347Arg (NM_001329754.2); c.1028-4838T>G (NM_001329756.2); short protein forms S347R.
Identifiers: ClinVar variation 2637076 (VCV002637076.1), dbSNP rs2481611244, ClinGen allele CA364612475.